The following is an entry in ClinVar:

NM_000391.4(TPP1):c.479C>T (p.Pro160Leu)

Gene: TPP1 (tripeptidyl peptidase 1; minus strand). Cytogenetic location: 11p15.4.
Variant type: single nucleotide variant.
Coding change: c.479C>T on transcript NM_000391.4 (MANE Select); coding-DNA position 479, C replaced by T.
Protein change: p.Pro160Leu; replaces proline 160 with leucine.
Molecular consequence: missense variant.
Genome position (GRCh38, 1-based): chr11:6,617,330, G>A on the plus strand (C>T on the coding strand, the complement: TPP1 is on the minus strand). VCF-style: chr11-6617330-G-A. GRCh37 (hg19) VCF-style: chr11-6638561-G-A.
Other names: short protein forms P160L.
Identifiers: ClinVar variation 1371569 (VCV001371569.5), dbSNP rs753822217, ClinGen allele CA5858945.
Genomic context (GRCh38, chr11:6,617,330, plus strand): 5'-CCCCAACCCCCATTCACCCCATAGGTGTTACCAAAGTCCACATGGGGGGCCAAGGCCTGT[G>A]GAAGCTGGTAGGGATGTGGGGACCTTACAACATGGGTTTCCGTAGGTCCTCCCACATAGT-3'
Protein context (NP_000382.3, residues 150-170): VVRSPHPYQL[Pro160Leu]QALAPHVDFV

ClinVar aggregate classification (germline): Uncertain significance (1 of 4 stars; one submission).

Allele frequency attached by ClinVar (database versions not stated): gnomAD exomes below 0.00001; TOPMed below 0.00001; ExAC 0.00001.

Submission:

Labcorp Genetics (formerly Invitae), Labcorp
Classification: Uncertain significance. Last evaluated: 2022-06-13. Review status: criteria provided, single submitter. Criteria: Invitae Variant Classification Sherloc (09022015). Collection method: clinical testing. Allele origin: germline.
Comment: This sequence change replaces proline, which is neutral and non-polar, with leucine, which is neutral and non-polar, at codon 160 of the TPP1 protein (p.Pro160Leu). This variant is present in population databases (rs753822217, gnomAD 0.003%). This variant has not been reported in the literature in individuals affected with TPP1-related conditions. Advanced modeling of protein sequence and biophysical properties (such as structural, functional, and spatial information, amino acid conservation, physicochemical variation, residue mobility, and thermodynamic stability) performed at Invitae indicates that this missense variant is expected to disrupt TPP1 protein function. In summary, the available evidence is currently insufficient to determine the role of this variant in disease. Therefore, it has been classified as a Variant of Uncertain Significance.